The following is an entry in ClinVar:

ClinVar aggregate classification (germline): Uncertain significance (1 of 4 stars; one submission).

Conditions:
Pitt-Hopkins-like syndrome 2 (PTHSL2). Identifiers: Orphanet 221150, Orphanet 600663, MedGen C3280479, MONDO:0013690, OMIM 614325.

Submission:

Labcorp Genetics (formerly Invitae), Labcorp
Classification: Uncertain significance for Pitt-Hopkins-like syndrome 2. Last evaluated: 2024-04-02. Review status: criteria provided, single submitter. Criteria: Invitae Variant Classification Sherloc (09022015). Collection method: clinical testing. Allele origin: germline.
Comment: This sequence change falls in intron 3 of the NRXN1 gene. It does not directly change the encoded amino acid sequence of the NRXN1 protein. It affects a nucleotide within the consensus splice site. This variant is not present in population databases (gnomAD no frequency). This variant has not been reported in the literature in individuals affected with NRXN1-related conditions. Variants that disrupt the consensus splice site are a relatively common cause of aberrant splicing (PMID: 17576681, 9536098). Algorithms developed to predict the effect of sequence changes on RNA splicing suggest that this variant is not likely to affect RNA splicing. In summary, the available evidence is currently insufficient to determine the role of this variant in disease. Therefore, it has been classified as a Variant of Uncertain Significance.

Literature cited by the submitters: PubMed 17576681; PubMed 9536098.

NM_001330078.2(NRXN1):c.772+1134G>A

Gene: NRXN1 (neurexin 1; minus strand). Cytogenetic location: 2p16.3.
Variant type: single nucleotide variant.
Coding change: c.772+1134G>A on transcript NM_001330078.2 (MANE Select); 1134 bases into the intron after coding-DNA position 772, G replaced by A.
Molecular consequence: intron variant.
Genome position (GRCh38, 1-based): chr2:51,026,368, C>T on the plus strand (G>A on the coding strand, the complement: NRXN1 is on the minus strand). VCF-style: chr2-51026368-C-T. GRCh37 (hg19) VCF-style: chr2-51253506-C-T.
Other names: c.772+1134G>A (NM_001330086.2, NM_001330079.2, NM_001330090.2 and 14 more transcripts); c.871+3G>A (NM_001135659.3).
Identifiers: ClinVar variation 3668193 (VCV003668193.2).